The following is an entry in ClinVar:

NM_000138.5(FBN1):c.101T>C (p.Val34Ala)

Gene: FBN1 (fibrillin 1; minus strand). Cytogenetic location: 15q21.1.
Variant type: single nucleotide variant.
Coding change: c.101T>C on transcript NM_000138.5 (MANE Select); coding-DNA position 101, T replaced by C.
Protein change: p.Val34Ala; replaces valine 34 with alanine.
Molecular consequence: missense variant.
Genome position (GRCh38, 1-based): chr15:48,644,669, A>G on the plus strand (T>C on the coding strand, the complement: FBN1 is on the minus strand). VCF-style: chr15-48644669-A-G. GRCh37 (hg19) VCF-style: chr15-48936866-A-G.
Other names: short protein forms V34A.
Identifiers: ClinVar variation 926784 (VCV000926784.4), dbSNP rs1890260465, ClinGen allele CA392453646.
Genomic context (GRCh38, chr15:48,644,669, plus strand): 5'-TTAAGCGCGTCGTGTCCTCCACCGCCTCTTCTCTTGGCCCGACTGGCTCTGGTTTCCTTC[A>G]CGTTCCCAGCCTCCAAATTGGCGTCCGCCCCATGGCTCGTGTAGGACGCTAAAAGCACGG-3'
Protein context (NP_000129.3, residues 24-44): GADANLEAGN[Val34Ala]KETRASRAKR

ClinVar aggregate classification (germline): Uncertain significance (1 of 4 stars; one submission).

Conditions:
Familial thoracic aortic aneurysm and aortic dissection (TAAD). Also called: Thoracic aortic aneurysms and dissections. Identifiers: Orphanet 91387, MedGen C4707243, MONDO:0019625.

Submission:

Color Diagnostics, LLC DBA Color Health
Classification: Uncertain significance for Familial thoracic aortic aneurysm and aortic dissection. Last evaluated: 2024-03-06. Review status: criteria provided, single submitter. Criteria: ACMG Guidelines, 2015. Collection method: clinical testing. Allele origin: germline.
Comment: This missense variant replaces valine with alanine at codon 34 of the FBN1 protein. Computational prediction tool suggests that this variant may not impact protein structure and function (internally defined REVEL score threshold <=0.5, PMID: 27666373). Splice site prediction tools suggest that this variant may not impact RNA splicing. To our knowledge, functional studies have not been performed for this variant. This variant has not been reported in individuals affected with cardiovascular disorders in the literature. This variant has not been identified in the general population by the Genome Aggregation Database (gnomAD). The available evidence is insufficient to determine the role of this variant in disease conclusively. Therefore, this variant is classified as a Variant of Uncertain Significance.